The following is an entry in ClinVar:

ClinVar aggregate classification (germline): Uncertain significance. Review status: criteria provided, multiple submitters, no conflicts (2 of 4 stars). 2 submissions from 2 submitters: Uncertain significance (2). Last evaluated 2023-08-28.

Conditions:
Jeune thoracic dystrophy. Also called: Short-rib thoracic dysplasia; Jeune syndrome; Infantile thoracic dystrophy; Thoracic pelvic phalangeal dystrophy; Jeune's syndrome; Chondroectodermal dysplasia-like syndrome. Identifiers: Orphanet 474, MedGen C0265275, MONDO:0018770.

Allele frequency attached by ClinVar (database versions not stated): gnomAD 0.00001; TOPMed 0.00001; ExAC 0.00002; ESP Exome Variant Server 0.00008.
gnomAD v4.1: 25 of 1,589,136 alleles (0.0016%); highest among the groups gnomAD compares: African/African-American, 0.013%; no homozygotes.

Submissions (2):

Women's Health and Genetics/Laboratory Corporation of America, LabCorp
Classification: Uncertain significance. Last evaluated: 2023-08-28. Review status: criteria provided, single submitter. Criteria: LabCorp Variant Classification Summary - May 2015. Collection method: clinical testing. Allele origin: germline.
Comment: Variant summary: DYNC2H1 c.8354C>A (p.Ala2785Glu) results in a non-conservative amino acid change located in the Dynein heavy chain, AAA module D4 domain (IPR024317) of the encoded protein sequence. Three of five in-silico tools predict a benign effect of the variant on protein function. The variant allele was found at a frequency of 4.7e-06 in 213156 control chromosomes (gnomAD). The available data on variant occurrences in the general population are insufficient to allow any conclusion about variant significance. c.8354C>A has been reported in the literature in an individual affected with skeletal ciliopathy (example: Hammarsjo_2021). This report does not provide unequivocal conclusions about association of the variant with Short-rib thoracic dysplasia. To our knowledge, no experimental evidence demonstrating an impact on protein function has been reported. The following publication has been ascertained in the context of this evaluation (PMID: 33875766).One submitter has cited clinical-significance assessments for this variant to ClinVar after 2014 and has classified the variant as uncertain significance. Based on the evidence outlined above, the variant was classified as uncertain significance.

Labcorp Genetics (formerly Invitae), Labcorp
Classification: Uncertain significance for Jeune thoracic dystrophy. Last evaluated: 2022-07-13. Review status: criteria provided, single submitter. Criteria: Invitae Variant Classification Sherloc (09022015). Collection method: clinical testing. Allele origin: germline.
Comment: This sequence change replaces alanine, which is neutral and non-polar, with glutamic acid, which is acidic and polar, at codon 2785 of the DYNC2H1 protein (p.Ala2785Glu). The frequency data for this variant in the population databases is considered unreliable, as metrics indicate poor data quality at this position in the gnomAD database. This variant has not been reported in the literature in individuals affected with DYNC2H1-related conditions. Advanced modeling of protein sequence and biophysical properties (such as structural, functional, and spatial information, amino acid conservation, physicochemical variation, residue mobility, and thermodynamic stability) performed at Invitae indicates that this missense variant is not expected to disrupt DYNC2H1 protein function. In summary, the available evidence is currently insufficient to determine the role of this variant in disease. Therefore, it has been classified as a Variant of Uncertain Significance.

Literature cited by the submitters: PubMed 33875766 (cited by Women's Health and Genetics/Laboratory Corporation of America, LabCorp).

NM_001377.3(DYNC2H1):c.8354C>A (p.Ala2785Glu)

Gene: DYNC2H1 (dynein cytoplasmic 2 heavy chain 1; plus strand). Cytogenetic location: 11q22.3.
Variant type: single nucleotide variant.
Coding change: c.8354C>A on transcript NM_001377.3 (MANE Select); coding-DNA position 8354, C replaced by A.
Protein change: p.Ala2785Glu; replaces alanine 2785 with glutamic acid.
Molecular consequence: missense variant.
Genome position (GRCh38, 1-based): chr11:103,204,864, C>A. VCF-style: chr11-103204864-C-A. GRCh37 (hg19) VCF-style: chr11-103075593-C-A.
Other names: c.8354C>A, p.Ala2785Glu (NM_001080463.2); c.8354C>A (NM_001080463.1); short protein forms A2785E.
Identifiers: ClinVar variation 2152080 (VCV002152080.2), dbSNP rs373513755, ClinGen allele CA6254446.
Genomic context (GRCh38, chr11:103,204,864, plus strand): 5'-TTCTTATATATTTCTTAGGAATTCAGCAAAACTTGCATATTGTCTTGATAATGGATTCTG[C>A]AAATTCAAACTTCATGATAAACTGTGAGAGTAATCCAGCTTTGCATAAGAAATGCCAGGT-3'
Protein context (NP_001368.2, residues 2775-2795): NLHIVLIMDS[Ala2785Glu]NSNFMINCES